The following is an entry in ClinVar:

ClinVar aggregate classification (germline): Pathogenic/Likely pathogenic. Review status: criteria provided, multiple submitters, no conflicts (2 of 4 stars). 5 submissions from 5 submitters: Pathogenic (2); Likely pathogenic (3). Last evaluated 2022-04-11.

Conditions:
SCN2A-related disorder. Also called: SCN2A-related condition; SCN2A-related disorders. Identifiers: MedGen CN382226, MONDO:1060245.
Inborn genetic diseases. Identifiers: MedGen C0950123, MeSH D030342.
Developmental and epileptic encephalopathy, 11 (DEE11). Also called: Early infantile epileptic encephalopathy 11. Identifiers: Orphanet 1934, MedGen C3150987, MONDO:0013388, OMIM 613721.

Submissions (5):

GeneDx
Classification: Pathogenic. Last evaluated: 2022-04-11. Review status: criteria provided, single submitter. Criteria: GeneDx Variant Classification Process June 2021. Collection method: clinical testing. Allele origin: germline. Affected: yes.
Comment: Nonsense variant in the C-terminus predicted to result in protein truncation, as the last 124 amino acids are lost, and other loss-of-function variants have been reported downstream in HGMD; Lost region is predicted to be within the C-terminal cytoplasmic domain and contains the IQ domain; Not observed at significant frequency in large population cohorts (gnomAD); Has not been previously published as pathogenic or benign to our knowledge

Victorian Clinical Genetics Services, Murdoch Childrens Research Institute
Classification: Pathogenic for Developmental and epileptic encephalopathy, 11. Last evaluated: 2022-02-02. Review status: criteria provided, single submitter. Criteria: ACMG Guidelines, 2015. Collection method: clinical testing. Allele origin: germline. Inheritance: Autosomal dominant inheritance. Affected: yes.
Comment: Based on the classification scheme VCGS_Germline_v1.3.4, this variant is classified as Pathogenic. Following criteria are met: 0103 - Loss of function and gain of function are known mechanisms of disease in this gene and are associated with SCN2A-related disorders. Variants causing a gain of function result in either developmental and epileptic encephalopathy 11 (MIM#613721) or benign familial infantile seizures 3 (MIM#607745), whereas variants displaying a loss of function cause austism spectrum disorder and/or intellectual disability, with or without childhood-onset seizures (OMIM, PMID: 29691040). (I) 0107 - This gene is associated with autosomal dominant disease. (I) 0205 - Variant is predicted to result in a truncated protein (premature termination codon is NOT located at least 54 nucleotides upstream of the final exon-exon junction) with less than 1/3 of the protein sequence affected. (SP) 0251 - This variant is heterozygous. (I) 0301 - Variant is absent from gnomAD (both v2 and v3). (SP) 0601 - Variant results in the truncation of the well-established C-terminal IQ motif. Functional studies on this motif demonstrated that this region is essential for regulating calmodulin binding, and calcium ion binding affinity (PMID: 21439835). Additionally, HEK293 cells transfected with truncated protein displayed reductions in current density, channel availability, protein expression and a hyperpolarizing shift in voltage (PMID: 34156984). (SP) 0708 - Other protein truncating variants comparable to the one identified in this case have conflicting previous evidence for pathogenicity. These variants (p.(Gln1913*) and p.(Ser1958*)) have been reported as likely pathogenic and VUS, respectively (ClinVar). (I) 0803 - This variant has limited previous evidence of pathogenicity in an unrelated individual. This variant has been reported once as pathogenic (ClinVar). (SP) 0905 - No published segregation evidence has been identified for this variant. (I) 1007 - No published functional evidence has been identified for this variant. (I) 1102 - Strong phenotype match for this individual. (SP) Legend: (SP) - Supporting pathogenic, (I) - Information, (SB) - Supporting benign

Blueprint Genetics
Classification: Likely pathogenic for SCN2A-related disorders. Last evaluated: 2018-11-04. Review status: criteria provided, single submitter. Criteria: ACMG Guidelines, 2015. Collection method: clinical testing. Allele origin: germline. Affected: yes. Observed: 1 variant allele.

Ambry Genetics
Classification: Likely pathogenic for Inborn genetic diseases. Last evaluated: 2017-06-19. Review status: criteria provided, single submitter. Criteria: Ambry Variant Classification Scheme 2023. Collection method: clinical testing. Allele origin: germline.
Comment: The p.R1882* variant (also known as c.5644C>T), located in coding exon 26 of the SCN2A gene, results from a C to T substitution at nucleotide position 5644. This changes the amino acid from an arginine to a stop codon within coding exon 26. Premature stop codons are typically deleterious in nature, however, this stop codon occurs at the 3' terminus of SCN2A, and is not expected to trigger nonsense-mediated mRNA decay. This alteration is expected to result in loss of function by premature protein truncation. This alteration removes the last 124 amino acids of the protein, but the exact functional impact of these removed amino acids is unknown at this time. This variant is indicated to be structurally destabilizing (Ambry internal data; Wu J et al. Science, 2015 Dec;350:aad2395; Guo J et al. Nature, 2016 Mar;531:196-201; Guo J et al. Proc. Natl. Acad. Sci. U.S.A., 2017 Jan;114:1009-1014; Shen H et al. Science, 2017 Mar;355). Based on the majority of available evidence to date, this variant is likely to be pathogenic.

Solve-RD Consortium
Classification: Likely pathogenic for Developmental and epileptic encephalopathy, 11. Review status: criteria provided, single submitter. Criteria: ACMG Guidelines, 2015. Collection method: provider interpretation. Allele origin: germline. Inheritance: Autosomal dominant inheritance. Affected: yes. Study: Solve-RD DIFT-EpiCARE reanalysis.
Comment: PVS1, PM2

Variant identified during reanalysis of unsolved cases by the Solve-RD project. The Solve-RD project has received funding from the European Union’s Horizon 2020 research and innovation programme under grant agreement No 779257.

Literature cited by the submitters: PubMed 21439835 (cited by Victorian Clinical Genetics Services, Murdoch Childrens Research Institute); PubMed 29691040 (cited by Victorian Clinical Genetics Services, Murdoch Childrens Research Institute); PubMed 34156984 (cited by Victorian Clinical Genetics Services, Murdoch Childrens Research Institute); PubMed 26680202 (cited by Ambry Genetics); PubMed 26689363 (cited by Ambry Genetics); PubMed 28096396 (cited by Ambry Genetics); PubMed 28183995 (cited by Ambry Genetics).

NM_001040142.2(SCN2A):c.5644C>T (p.Arg1882Ter)

Gene: SCN2A (sodium voltage-gated channel alpha subunit 2; plus strand). Cytogenetic location: 2q24.3.
Variant type: single nucleotide variant.
Coding change: c.5644C>T on transcript NM_001040142.2 (MANE Select); coding-DNA position 5644, C replaced by T.
Protein change: p.Arg1882Ter; replaces arginine 1882 with a stop codon.
Molecular consequence: nonsense.
Genome position (GRCh38, 1-based): chr2:165,389,450, C>T. VCF-style: chr2-165389450-C-T. GRCh37 (hg19) VCF-style: chr2-166245960-C-T.
Other names: c.5644C>T, p.Arg1882Ter (NM_001040143.2, NM_001371246.1, NM_001371247.1 and 1 more transcripts); short protein forms R1882*.
Identifiers: ClinVar variation 450533 (VCV000450533.9), dbSNP rs796053166, ClinGen allele CA349039637.